The following is an entry in ClinVar:

ClinVar aggregate classification (germline): Benign. Review status: criteria provided, multiple submitters, no conflicts (2 of 4 stars). 3 submissions from 3 submitters: Benign (2). 1 of the submissions does not count toward it. Last evaluated 2018-07-06.

Conditions:
CYP2C8-related disorder. Also called: CYP2C8-related condition.

Allele frequency attached by ClinVar (database versions not stated): 1000 Genomes Project 0.00260; 1000 Genomes Project 30x 0.00281; TOPMed 0.00456; ExAC 0.00485; gnomAD exomes 0.00485 and 0.00709; gnomAD 0.00505 and 0.00520; ESP Exome Variant Server 0.00531.
gnomAD v4.1: 10,994 of 1,613,260 alleles (0.68%); highest among the groups gnomAD compares: Non-Finnish European, 0.84%; 48 homozygotes.

Submissions (3):

Labcorp Genetics (formerly Invitae), Labcorp
Classification: Benign. Last evaluated: 2018-07-06. Review status: criteria provided, single submitter. Criteria: Invitae Variant Classification Sherloc (09022015). Collection method: clinical testing. Allele origin: germline.

Breakthrough Genomics
Classification: Benign. Review status: criteria provided, single submitter. Criteria: ACMG Guidelines, 2015. Collection method: not provided. Allele origin: germline. Inheritance: Unknown mechanism. Affected: yes.

PreventionGenetics, part of Exact Sciences
Classification: Benign for CYP2C8-related condition. Last evaluated: 2020-11-10. Review status: no assertion criteria provided. Collection method: clinical testing. Allele origin: germline. Not counted in ClinVar's aggregate classification.
Comment: This variant is classified as benign based on ACMG/AMP sequence variant interpretation guidelines (Richards et al. 2015 PMID: 25741868, with internal and published modifications).

NM_000770.3(CYP2C8):c.541G>A (p.Val181Ile)

Gene: CYP2C8 (cytochrome P450 family 2 subfamily C member 8; minus strand). Cytogenetic location: 10q23.33.
Variant type: single nucleotide variant.
Coding change: c.541G>A on transcript NM_000770.3 (MANE Select); coding-DNA position 541, G replaced by A.
Protein change: p.Val181Ile; replaces valine 181 with isoleucine.
Molecular consequence: missense variant.
Genome position (GRCh38, 1-based): chr10:95,064,901, C>T on the plus strand (G>A on the coding strand, the complement: CYP2C8 is on the minus strand). VCF-style: chr10-95064901-C-T. GRCh37 (hg19) VCF-style: chr10-96824658-C-T.
Other names: c.235G>A, p.Val79Ile (NM_001198854.1); c.331G>A, p.Val111Ile (NM_001198855.1, NM_001198853.1); short protein forms V111I, V181I, V79I.
Identifiers: ClinVar variation 787628 (VCV000787628.6), dbSNP rs41286886, ClinGen allele CA5617729.
Genomic context (GRCh38, chr10:95,064,901, plus strand): 5'-ATCTTTTCATCAGGGTGAGAAAATTCTGATCTTTATAATCAAATCGTTTCTGGAAAACAA[C>T]GGAGCAGATCACATTGCAGGGAGCACAGCCCAGGATGAAAGTGGGATCACAGGGTGAAGC-3'
Protein context (NP_000761.3, residues 171-191): GCAPCNVICS[Val181Ile]VFQKRFDYKD